The following is an entry in ClinVar:

ClinVar aggregate classification (germline): Likely benign (0 of 4 stars; one submission).

Conditions:
TOP2A-related disorder. Also called: TOP2A-related condition.

Allele frequency attached by ClinVar (database versions not stated): gnomAD exomes 0.00001; ExAC 0.00002; gnomAD 0.00005; TOPMed 0.00006; ESP Exome Variant Server 0.00008.

Submission:

PreventionGenetics, part of Exact Sciences
Classification: Likely benign for TOP2A-related condition. Last evaluated: 2019-02-22. Review status: no assertion criteria provided. Collection method: clinical testing. Allele origin: germline.
Comment: This variant is classified as likely benign based on ACMG/AMP sequence variant interpretation guidelines (Richards et al. 2015 PMID: 25741868, with internal and published modifications).

NM_001067.4(TOP2A):c.3372C>T (p.Thr1124=)

Gene: TOP2A (DNA topoisomerase II alpha; minus strand). Cytogenetic location: 17q21.2.
Variant type: single nucleotide variant.
Coding change: c.3372C>T on transcript NM_001067.4 (MANE Select); coding-DNA position 3372, C replaced by T.
Protein change: p.Thr1124=; no amino-acid change (threonine 1124 retained).
Molecular consequence: synonymous variant.
Genome position (GRCh38, 1-based): chr17:40,398,854, G>A on the plus strand (C>T on the coding strand, the complement: TOP2A is on the minus strand). VCF-style: chr17-40398854-G-A. GRCh37 (hg19) VCF-style: chr17-38555106-G-A.
Identifiers: ClinVar variation 3052304 (VCV003052304.2), dbSNP rs372224152, ClinGen allele CA8543191.